The following is an entry in ClinVar:

NM_016507.4(CDK12):c.1106A>T (p.His369Leu)

Gene: CDK12 (cyclin dependent kinase 12; plus strand). Cytogenetic location: 17q12.
Variant type: single nucleotide variant.
Coding change: c.1106A>T on transcript NM_016507.4 (MANE Select); coding-DNA position 1106, A replaced by T.
Protein change: p.His369Leu; replaces histidine 369 with leucine.
Molecular consequence: missense variant.
Genome position (GRCh38, 1-based): chr17:39,470,938, A>T. VCF-style: chr17-39470938-A-T. GRCh37 (hg19) VCF-style: chr17-37627191-A-T.
Other names: c.1106A>T, p.His369Leu (NM_015083.4); short protein forms H369L.
Identifiers: ClinVar variation 3830326 (VCV003830326.1).
Genomic context (GRCh38, chr17:39,470,938, plus strand): 5'-GTAGGAAATCCATGAAGTCCAGAAGTAGAAGTCCTGCATATTCAAGACATTCATCTTCTC[A>T]TAGTAAAAAGAAGAGATCCAGTTCACGCAGTCGTCATTCCAGTATCTCACCTGTCAGGCT-3'
Protein context (NP_057591.2, residues 359-379): SPAYSRHSSS[His369Leu]SKKKRSSSRS

ClinVar aggregate classification (germline): Uncertain significance (1 of 4 stars; one submission).

gnomAD v4.1: 4 of 1,613,154 alleles (0.00025%); no homozygotes.

Submission:

Ambry Genetics
Classification: Uncertain significance. Last evaluated: 2024-12-12. Review status: criteria provided, single submitter. Criteria: Ambry Variant Classification Scheme 2023. Collection method: clinical testing. Allele origin: germline.
Comment: The p.H369L variant (also known as c.1106A>T), located in coding exon 2 of the CDK12 gene, results from an A to T substitution at nucleotide position 1106. The histidine at codon 369 is replaced by leucine, an amino acid with similar properties. This amino acid position is conserved. In addition, this alteration is predicted to be tolerated by in silico analysis. Based on the available evidence, the clinical significance of this variant remains unclear.